The following is an entry in ClinVar:

ClinVar aggregate classification (germline): Uncertain significance (1 of 4 stars; one submission).

Conditions:
COL9A1-related disorder. Also called: COL9A1-related condition; COL9A1-related disorders.

Allele frequency attached by ClinVar (database versions not stated): gnomAD exomes below 0.00001.
gnomAD v4.1: 1 of 1,610,864 alleles (0.000062%); highest among the groups gnomAD compares: Non-Finnish European, 0.000085%; no homozygotes.

Submission:

PreventionGenetics, part of Exact Sciences
Classification: Uncertain significance for COL9A1-related condition. Last evaluated: 2023-03-14. Review status: criteria provided, single submitter. Criteria: ACMG Guidelines, 2015. Collection method: clinical testing. Allele origin: germline.
Comment: The COL9A1 c.2074G>A variant is predicted to result in the amino acid substitution p.Glu692Lys. To our knowledge, this variant has not been reported in the literature or in a large population database, indicating this variant is rare. At this time, the clinical significance of this variant is uncertain due to the absence of conclusive functional and genetic evidence.

NM_001851.6(COL9A1):c.2074G>A (p.Glu692Lys)

Gene: COL9A1 (collagen type IX alpha 1 chain; minus strand). Cytogenetic location: 6q13.
Variant type: single nucleotide variant.
Coding change: c.2074G>A on transcript NM_001851.6 (MANE Select); coding-DNA position 2074, G replaced by A.
Protein change: p.Glu692Lys; replaces glutamic acid 692 with lysine.
Molecular consequence: missense variant. On other transcripts: non-coding transcript variant (1).
Genome position (GRCh38, 1-based): chr6:70,240,694, C>T on the plus strand (G>A on the coding strand, the complement: COL9A1 is on the minus strand). VCF-style: chr6-70240694-C-T. GRCh37 (hg19) VCF-style: chr6-70950397-C-T.
Other names: c.1375G>A, p.Glu459Lys (NM_001377289.1); c.1345G>A, p.Glu449Lys (NM_001377290.1, NM_078485.4); short protein forms E449K, E459K, E692K.
Identifiers: ClinVar variation 2630192 (VCV002630192.1), dbSNP rs1770201930, ClinGen allele CA364674827.